The following is an entry in ClinVar:

NM_020937.4(FANCM):c.4672+6T>A

Gene: FANCM (FA complementation group M; plus strand). Cytogenetic location: 14q21.2.
Variant type: single nucleotide variant.
Coding change: c.4672+6T>A on transcript NM_020937.4 (MANE Select); 6 bases into the intron after coding-DNA position 4672, T replaced by A.
Molecular consequence: intron variant.
Genome position (GRCh38, 1-based): chr14:45,185,379, T>A. VCF-style: chr14-45185379-T-A. GRCh37 (hg19) VCF-style: chr14-45654582-T-A.
Other names: c.4594+6T>A (NM_001308133.2).
Identifiers: ClinVar variation 2862188 (VCV002862188.3), dbSNP rs2503229903, ClinGen allele CA2739279291.

ClinVar aggregate classification (germline): Uncertain significance (1 of 4 stars; one submission).

Conditions:
Fanconi anemia (FA). Also called: Fanconi's anemia. Identifiers: Orphanet 84, MedGen C0015625, MeSH D005199, MONDO:0019391.

Submission:

Labcorp Genetics (formerly Invitae), Labcorp
Classification: Uncertain significance for Fanconi anemia. Last evaluated: 2023-05-09. Review status: criteria provided, single submitter. Criteria: Invitae Variant Classification Sherloc (09022015). Collection method: clinical testing. Allele origin: germline.
Comment: This sequence change falls in intron 18 of the FANCM gene. It does not directly change the encoded amino acid sequence of the FANCM protein. It affects a nucleotide within the consensus splice site. In summary, the available evidence is currently insufficient to determine the role of this variant in disease. Therefore, it has been classified as a Variant of Uncertain Significance. Variants that disrupt the consensus splice site are a relatively common cause of aberrant splicing (PMID: 17576681, 9536098). Algorithms developed to predict the effect of sequence changes on RNA splicing suggest that this variant is not likely to affect RNA splicing. This variant has not been reported in the literature in individuals affected with FANCM-related conditions. This variant is not present in population databases (gnomAD no frequency).

Literature cited by the submitters: PubMed 17576681; PubMed 9536098.